The following is an entry in ClinVar:

NM_001939.3(DRP2):c.1513G>A (p.Gly505Ser)

Gene: DRP2 (dystrophin related protein 2; plus strand). Cytogenetic location: Xq22.1.
Variant type: single nucleotide variant.
Coding change: c.1513G>A on transcript NM_001939.3 (MANE Select); coding-DNA position 1513, G replaced by A.
Protein change: p.Gly505Ser; replaces glycine 505 with serine.
Molecular consequence: missense variant.
Genome position (GRCh38, 1-based): chrX:101,248,572, G>A. VCF-style: chrX-101248572-G-A. GRCh37 (hg19) VCF-style: chrX-100503561-G-A.
Other names: c.1279G>A, p.Gly427Ser (NM_001171184.2); short protein forms G427S, G505S.
Identifiers: ClinVar variation 3690769 (VCV003690769.2).
Genomic context (GRCh38, chrX:101,248,572, plus strand): 5'-AGTGGTCGCAGCGGAAAGATGCGGGCATTGTCTTTTAAGACTGGCATTGCATGCTTGTGT[G>A]GCACGGAAGTGAAGGAAAAACTTCAGTGTGAGTAGAACTCCAAAGTGTGGAGTGGTGTTG-3'
Protein context (NP_001930.2, residues 495-515): SFKTGIACLC[Gly505Ser]TEVKEKLQYL

ClinVar aggregate classification (germline): Uncertain significance (1 of 4 stars; one submission).

gnomAD v4.1: 1 of 1,212,021 alleles (0.000083%); highest among the groups gnomAD compares: Non-Finnish European, 0.00011%; no homozygotes.

Submission:

Labcorp Genetics (formerly Invitae), Labcorp
Classification: Uncertain significance. Last evaluated: 2024-04-26. Review status: criteria provided, single submitter. Criteria: Invitae Variant Classification Sherloc (09022015). Collection method: clinical testing. Allele origin: germline.
Comment: This sequence change replaces glycine, which is neutral and non-polar, with serine, which is neutral and polar, at codon 505 of the DRP2 protein (p.Gly505Ser). This variant is not present in population databases (gnomAD no frequency). This variant has not been reported in the literature in individuals affected with DRP2-related conditions. Advanced modeling of protein sequence and biophysical properties (such as structural, functional, and spatial information, amino acid conservation, physicochemical variation, residue mobility, and thermodynamic stability) performed at Invitae indicates that this missense variant is not expected to disrupt DRP2 protein function with a negative predictive value of 80%. In summary, the available evidence is currently insufficient to determine the role of this variant in disease. Therefore, it has been classified as a Variant of Uncertain Significance.